The following continues an entry in ClinVar:

NM_021625.5(TRPV4):c.81T>C (p.Gly27=)

Gene: TRPV4. ClinVar aggregate classification (germline): Benign. Benign (14).

Submissions 23 to 48 of 48:

Dr. Peter K. Rogan Lab, Western University
No classification provided (evidence only). Condition: Clear cell carcinoma of kidney. Review status: no classification provided. Collection method: in vitro. Allele origin: not applicable. Functional consequence: retained intron. Not counted in ClinVar's aggregate classification.

Dr. Peter K. Rogan Lab, Western University
No classification provided (evidence only). Condition: Lung cancer. Review status: no classification provided. Collection method: in vitro. Allele origin: not applicable. Functional consequence: retained intron. Not counted in ClinVar's aggregate classification.

Dr. Peter K. Rogan Lab, Western University
No classification provided (evidence only). Condition: Thyroid cancer, nonmedullary, 1. Review status: no classification provided. Collection method: in vitro. Allele origin: not applicable. Functional consequence: retained intron. Not counted in ClinVar's aggregate classification.

Dr. Peter K. Rogan Lab, Western University
No classification provided (evidence only). Condition: Thyroid cancer, nonmedullary, 1. Review status: no classification provided. Collection method: in vitro. Allele origin: not applicable. Functional consequence: retained intron. Not counted in ClinVar's aggregate classification.

Dr. Peter K. Rogan Lab, Western University
No classification provided (evidence only). Condition: Thyroid cancer, nonmedullary, 1. Review status: no classification provided. Collection method: in vitro. Allele origin: not applicable. Functional consequence: retained intron. Not counted in ClinVar's aggregate classification.

Dr. Peter K. Rogan Lab, Western University
No classification provided (evidence only). Condition: Thyroid cancer, nonmedullary, 1. Review status: no classification provided. Collection method: in vitro. Allele origin: not applicable. Functional consequence: retained intron. Not counted in ClinVar's aggregate classification.

Dr. Peter K. Rogan Lab, Western University
No classification provided (evidence only). Condition: Uterine corpus endometrial carcinoma. Review status: no classification provided. Collection method: in vitro. Allele origin: not applicable. Functional consequence: retained intron. Not counted in ClinVar's aggregate classification.

Dr. Peter K. Rogan Lab, Western University
No classification provided (evidence only). Condition: Uterine corpus endometrial carcinoma. Review status: no classification provided. Collection method: in vitro. Allele origin: not applicable. Functional consequence: retained intron. Not counted in ClinVar's aggregate classification.

Dr. Peter K. Rogan Lab, Western University
No classification provided (evidence only). Condition: Uterine corpus endometrial carcinoma. Review status: no classification provided. Collection method: in vitro. Allele origin: not applicable. Functional consequence: retained intron. Not counted in ClinVar's aggregate classification.

Dr. Peter K. Rogan Lab, Western University
No classification provided (evidence only). Condition: Uterine corpus endometrial carcinoma. Review status: no classification provided. Collection method: in vitro. Allele origin: not applicable. Functional consequence: retained intron. Not counted in ClinVar's aggregate classification.

Dr. Peter K. Rogan Lab, Western University
No classification provided (evidence only). Condition: Uterine corpus endometrial carcinoma. Review status: no classification provided. Collection method: in vitro. Allele origin: not applicable. Functional consequence: retained intron. Not counted in ClinVar's aggregate classification.

Dr. Peter K. Rogan Lab, Western University
No classification provided (evidence only). Condition: Uterine corpus endometrial carcinoma. Review status: no classification provided. Collection method: in vitro. Allele origin: not applicable. Functional consequence: retained intron. Not counted in ClinVar's aggregate classification.

Dr. Peter K. Rogan Lab, Western University
No classification provided (evidence only). Condition: Uterine corpus endometrial carcinoma. Review status: no classification provided. Collection method: in vitro. Allele origin: not applicable. Functional consequence: retained intron. Not counted in ClinVar's aggregate classification.

Dr. Peter K. Rogan Lab, Western University
No classification provided (evidence only). Condition: Uterine corpus endometrial carcinoma. Review status: no classification provided. Collection method: in vitro. Allele origin: not applicable. Functional consequence: retained intron. Not counted in ClinVar's aggregate classification.

Dr. Peter K. Rogan Lab, Western University
No classification provided (evidence only). Condition: Uterine corpus endometrial carcinoma. Review status: no classification provided. Collection method: in vitro. Allele origin: not applicable. Functional consequence: retained intron. Not counted in ClinVar's aggregate classification.

Dr. Peter K. Rogan Lab, Western University
No classification provided (evidence only). Condition: Uterine corpus endometrial carcinoma. Review status: no classification provided. Collection method: in vitro. Allele origin: not applicable. Functional consequence: retained intron. Not counted in ClinVar's aggregate classification.

Dr. Peter K. Rogan Lab, Western University
No classification provided (evidence only). Condition: Cervical cancer. Review status: no classification provided. Collection method: in vitro. Allele origin: not applicable. Functional consequence: retained intron. Not counted in ClinVar's aggregate classification.

Dr. Peter K. Rogan Lab, Western University
No classification provided (evidence only). Condition: Cervical cancer. Review status: no classification provided. Collection method: in vitro. Allele origin: not applicable. Functional consequence: retained intron. Not counted in ClinVar's aggregate classification.

Dr. Peter K. Rogan Lab, Western University
No classification provided (evidence only). Condition: Cervical cancer. Review status: no classification provided. Collection method: in vitro. Allele origin: not applicable. Functional consequence: retained intron. Not counted in ClinVar's aggregate classification.

Dr. Peter K. Rogan Lab, Western University
No classification provided (evidence only). Condition: Cervical cancer. Review status: no classification provided. Collection method: in vitro. Allele origin: not applicable. Functional consequence: retained intron. Not counted in ClinVar's aggregate classification.

Dr. Peter K. Rogan Lab, Western University
No classification provided (evidence only). Condition: Sarcoma. Review status: no classification provided. Collection method: in vitro. Allele origin: not applicable. Functional consequence: retained intron. Not counted in ClinVar's aggregate classification.

Dr. Peter K. Rogan Lab, Western University
No classification provided (evidence only). Condition: Sarcoma. Review status: no classification provided. Collection method: in vitro. Allele origin: not applicable. Functional consequence: retained intron. Not counted in ClinVar's aggregate classification.

Dr. Peter K. Rogan Lab, Western University
No classification provided (evidence only). Condition: Ovarian serous cystadenocarcinoma. Review status: no classification provided. Collection method: in vitro. Allele origin: not applicable. Functional consequence: retained intron. Not counted in ClinVar's aggregate classification.

Dr. Peter K. Rogan Lab, Western University
No classification provided (evidence only). Condition: Ovarian serous cystadenocarcinoma. Review status: no classification provided. Collection method: in vitro. Allele origin: not applicable. Functional consequence: retained intron. Not counted in ClinVar's aggregate classification.

Dr. Peter K. Rogan Lab, Western University
No classification provided (evidence only). Condition: Ovarian serous cystadenocarcinoma. Review status: no classification provided. Collection method: in vitro. Allele origin: not applicable. Functional consequence: retained intron. Not counted in ClinVar's aggregate classification.

Laboratory of Diagnostic Genome Analysis, Leiden University Medical Center (LUMC)
Classification: Likely benign. Review status: no assertion criteria provided. Collection method: clinical testing. Allele origin: germline. Affected: yes. Study: VKGL Data-share Consensus. Not counted in ClinVar's aggregate classification.